The following is an entry in ClinVar:

ClinVar aggregate classification (germline): Uncertain significance (1 of 4 stars; one submission).

Conditions:
Complement component 3 deficiency. Identifiers: Orphanet 280133, MedGen C3151071, MONDO:0013417, OMIM 613779.
C3 glomerulonephritis. Also called: Nephropathy due to CFHR5 Deficiency; C3 GLOMERULOPATHY 3. Identifiers: Orphanet 329931, MedGen C4055342, MONDO:0013892, OMIM 614809.
Atypical hemolytic-uremic syndrome. Identifiers: Orphanet 2134, MedGen C2931788, MONDO:0016244.

Submission:

Genomenon, Inc
Classification: Uncertain significance for Complement component 3 deficiency; C3 glomerulonephritis; Atypical hemolytic-uremic syndrome. Last evaluated: 2025-09-30. Review status: criteria provided, single submitter. Criteria: Genomenon Sequence Variant Interpretation Standards. Collection method: curation. Allele origin: germline. Affected: no.
Comment: C3 p.Val1230Ala (c.3689T>C) is a missense variant that changes the amino acid at residue 1230 from Valine to Alanine. This variant has been reported in the published literature (PMID:7868901). It is absent or not present at a significant frequency in gnomAD. In conclusion, we classify C3 p.Val1230Ala (c.3689T>C) as a variant of unknown significance.

Literature cited by the submitters: PubMed 7868901.

NM_000064.4(C3):c.3689T>C (p.Val1230Ala)

Gene: C3 (complement C3; minus strand). Cytogenetic location: 19p13.3.
Variant type: single nucleotide variant.
Coding change: c.3689T>C on transcript NM_000064.4 (MANE Select); coding-DNA position 3689, T replaced by C.
Protein change: p.Val1230Ala; replaces valine 1230 with alanine.
Molecular consequence: missense variant.
Genome position (GRCh38, 1-based): chr19:6,686,245, A>G on the plus strand (T>C on the coding strand, the complement: C3 is on the minus strand). VCF-style: chr19-6686245-A-G. GRCh37 (hg19) VCF-style: chr19-6686256-A-G.
Other names: short protein forms V1230A.
Identifiers: ClinVar variation 4280224 (VCV004280224.1).